The following is an entry in ClinVar:

ClinVar aggregate classification (germline): Uncertain significance (1 of 4 stars; one submission).

Conditions:
Choanal atresia-athelia-hypothyroidism-delayed puberty-short stature syndrome (BCAHH). Also called: BRANCHIAL ARCH ABNORMALITIES, CHOANAL ATRESIA, ATHELIA, HEARING LOSS, AND HYPOTHYROIDISM SYNDROME. Identifiers: Orphanet 589856, MedGen C5680310, MONDO:0035651, OMIM 620186.
Kabuki syndrome 1 (KABUK1). Also called: KMT2D-Related Kabuki Syndrome. Identifiers: Orphanet 2322, MedGen CN030661, MONDO:0007843, OMIM 147920.

Submission:

Juno Genomics, Hangzhou Juno Genomics, Inc
Classification: Uncertain significance for Choanal atresia-athelia-hypothyroidism-delayed puberty-short stature syndrome; Kabuki syndrome 1. Review status: criteria provided, single submitter. Criteria: ACMG Guidelines, 2015. Collection method: clinical testing. Allele origin: germline.
Comment: Missense variant in a gene that has a low rate of benign missense variation.;Multiple lines of computational evidence support a deleterious effect on the gene or gene product.;Absent from controls (or at extremely low frequency if recessive) in Genome Aggregation Database.

NM_003482.4(KMT2D):c.14426T>G (p.Met4809Arg)

Gene: KMT2D (lysine methyltransferase 2D; minus strand). Cytogenetic location: 12q13.12.
Variant type: single nucleotide variant.
Coding change: c.14426T>G on transcript NM_003482.4 (MANE Select); coding-DNA position 14426, T replaced by G.
Protein change: p.Met4809Arg; replaces methionine 4809 with arginine.
Molecular consequence: missense variant.
Genome position (GRCh38, 1-based): chr12:49,028,098, A>C on the plus strand (T>G on the coding strand, the complement: KMT2D is on the minus strand). VCF-style: chr12-49028098-A-C. GRCh37 (hg19) VCF-style: chr12-49421881-A-C.
Other names: short protein forms M4809R.
Identifiers: ClinVar variation 5005113 (VCV005005113.2).
Genomic context (GRCh38, chr12:49,028,098, plus strand): 5'-TCAGTGCCTGCCCGGGCGGGGCTCTCTGGGAACAGCACCTCATAGGAGTTGGGGATCTTC[A>C]TGCTCAGCAGCTCCGCCACTGCCACCATCACGCCATTCAGGTTCTGCCAGGGCCAGGGAA-3'
Protein context (NP_003473.3, residues 4799-4819): VMVAVAELLS[Met4809Arg]KIPNSYEVLF